The following is an entry in ClinVar:

NM_006734.4(HIVEP2):c.5819C>A (p.Pro1940His)

Gene: HIVEP2 (HIVEP zinc finger 2; minus strand). Cytogenetic location: 6q24.2.
Variant type: single nucleotide variant.
Coding change: c.5819C>A on transcript NM_006734.4 (MANE Select); coding-DNA position 5819, C replaced by A.
Protein change: p.Pro1940His; replaces proline 1940 with histidine.
Molecular consequence: missense variant.
Genome position (GRCh38, 1-based): chr6:142,760,469, G>T on the plus strand (C>A on the coding strand, the complement: HIVEP2 is on the minus strand). VCF-style: chr6-142760469-G-T. GRCh37 (hg19) VCF-style: chr6-143081606-G-T.
Other names: short protein forms P1940H.
Identifiers: ClinVar variation 2192357 (VCV002192357.1), dbSNP rs780311968, ClinGen allele CA4027800.

ClinVar aggregate classification (germline): Uncertain significance (1 of 4 stars; one submission).

Allele frequency attached by ClinVar (database versions not stated): ExAC 0.00002; TOPMed 0.00002.
gnomAD v4.1: 18 of 1,614,166 alleles (0.0011%); highest among the groups gnomAD compares: Non-Finnish European, 0.0015%; no homozygotes.

Submission:

Labcorp Genetics (formerly Invitae), Labcorp
Classification: Uncertain significance. Last evaluated: 2022-03-26. Review status: criteria provided, single submitter. Criteria: Invitae Variant Classification Sherloc (09022015). Collection method: clinical testing. Allele origin: germline.
Comment: This sequence change replaces proline, which is neutral and non-polar, with histidine, which is basic and polar, at codon 1940 of the HIVEP2 protein (p.Pro1940His). This variant is present in population databases (rs780311968, gnomAD 0.004%). This variant has not been reported in the literature in individuals affected with HIVEP2-related conditions. Algorithms developed to predict the effect of missense changes on protein structure and function are either unavailable or do not agree on the potential impact of this missense change (SIFT: "Deleterious"; PolyPhen-2: "Probably Damaging"; Align-GVGD: "Class C15"). In summary, the available evidence is currently insufficient to determine the role of this variant in disease. Therefore, it has been classified as a Variant of Uncertain Significance.